The following is an entry in ClinVar:

NM_170784.3(MKKS):c.958_959del (p.Leu320fs)

Gene: MKKS (MKKS centrosomal shuttling protein; minus strand). Cytogenetic location: 20p12.2.
Variant type: Microsatellite.
Coding change: c.958_959del on transcript NM_170784.3 (MANE Select); coding-DNA positions 958 to 959, 2 bases deleted (CT; older notation c.958_959delCT).
Protein change: p.Leu320fs; shifts the reading frame from leucine 320.
Molecular consequence: frameshift variant.
Genome position (GRCh38, 1-based): chr20:10,412,556-10,412,557, AG deleted on the plus strand (CT on the coding strand, the reverse complement: MKKS is on the minus strand); deleting any 2 consecutive bases within chr20:10,412,556-10,412,559 gives the same sequence; the c. name uses the placement nearest the transcript's 3' end. VCF-style (leftmost placement, unchanged base first): chr20-10412555-CAG-C. GRCh37 (hg19) VCF-style: chr20-10393203-CAG-C.
Other names: c.958_959del, p.Leu320fs (NM_018848.3); c.958_959delCT (NM_018848.3); short protein forms L320fs.
Identifiers: ClinVar variation 523524 (VCV000523524.8), dbSNP rs770908659, ClinGen allele CA9763600.

ClinVar aggregate classification (germline): Pathogenic/Likely pathogenic. Review status: criteria provided, multiple submitters, no conflicts (2 of 4 stars). 2 submissions from 2 submitters: Pathogenic (1); Likely pathogenic (1). Last evaluated 2025-08-04.

Conditions:
Polycystic kidney disease. Also called: Polycystic kidney dysplasia; Kidney, Polycystic. Identifiers: MedGen C0022680, MeSH D007690, MONDO:0020642, HP:0000113.
Multicystic kidney dysplasia. Also called: Multicystic dysplastic kidney. Identifiers: Orphanet 1851, MedGen C3714581, MONDO:0015988, HP:0000003.
McKusick-Kaufman syndrome (MKKS). Also called: HYDROMETROCOLPOS SYNDROME; HYDROMETROCOLPOS, POSTAXIAL POLYDACTYLY, AND CONGENITAL HEART MALFORMATION. Identifiers: Orphanet 2473, MedGen C0948368, MONDO:0009367, OMIM 236700.
Bardet-Biedl syndrome (BBS). Identifiers: Orphanet 110, MedGen C0752166, MONDO:0015229.

Submissions (2):

Labcorp Genetics (formerly Invitae), Labcorp
Classification: Pathogenic for McKusick-Kaufman syndrome; Bardet-Biedl syndrome. Last evaluated: 2025-08-04. Review status: criteria provided, single submitter. Criteria: Invitae Variant Classification Sherloc (09022015). Collection method: clinical testing. Allele origin: germline.
Comment: This sequence change creates a premature translational stop signal (p.Leu320Aspfs*6) in the MKKS gene. It is expected to result in an absent or disrupted protein product. Loss-of-function variants in MKKS are known to be pathogenic (PMID: 11179009, 28761321, 30614526). This variant is present in population databases (rs770908659, gnomAD 0.003%). This variant has not been reported in the literature in individuals affected with MKKS-related conditions. ClinVar contains an entry for this variant (Variation ID: 523524). Algorithms developed to predict the effect of sequence changes on RNA splicing suggest that this variant may disrupt the consensus splice site. For these reasons, this variant has been classified as Pathogenic.

Centre for Mendelian Genomics, University Medical Centre Ljubljana
Classification: Likely pathogenic for Multicystic kidney dysplasia; Polycystic kidney disease. Last evaluated: 2017-01-01. Review status: criteria provided, single submitter. Criteria: ACMG Guidelines, 2015. Collection method: clinical testing. Allele origin: unknown. Affected: yes.

Literature cited by the submitters: PubMed 11179009 (cited by Labcorp Genetics (formerly Invitae), Labcorp); PubMed 28761321 (cited by Labcorp Genetics (formerly Invitae), Labcorp); PubMed 30614526 (cited by Labcorp Genetics (formerly Invitae), Labcorp).